The following is an entry in ClinVar:

ClinVar aggregate classification (germline): Pathogenic (1 of 4 stars; one submission).

Conditions:
Chromosome 2q32-q33 deletion syndrome (GLASS). Also called: Glass syndrome; 2q33.1 deletion syndrome. Identifiers: Orphanet 251019, MedGen C2676739, MONDO:0012864, OMIM 612313.

Submission:

Labcorp Genetics (formerly Invitae), Labcorp
Classification: Pathogenic for Chromosome 2q32-q33 deletion syndrome. Last evaluated: 2019-08-02. Review status: criteria provided, single submitter. Criteria: Invitae Variant Classification Sherloc (09022015). Collection method: clinical testing. Allele origin: germline.
Comment: This sequence change creates a premature translational stop signal (p.Ser450Glnfs*32) in the SATB2 gene. It is expected to result in an absent or disrupted protein product. This variant is not present in population databases (ExAC no frequency). This variant has not been reported in the literature in individuals with SATB2-related conditions. Loss-of-function variants in SATB2 are known to be pathogenic (PMID: 25885067). For these reasons, this variant has been classified as Pathogenic.

Literature cited by the submitters: PubMed 25885067.

NM_001172509.2(SATB2):c.1329_1347dup (p.Ser450fs)

Gene: SATB2 (SATB homeobox 2; minus strand). Cytogenetic location: 2q33.1.
Variant type: Duplication.
Coding change: c.1329_1347dup on transcript NM_001172509.2 (MANE Select); coding-DNA positions 1329 to 1347, 19 bases duplicated (CAATGTGAGCATGGTCTCC).
Protein change: p.Ser450fs; shifts the reading frame from serine 450.
Molecular consequence: frameshift variant.
Genome position (GRCh38, 1-based): chr2:199,328,737-199,328,755, GGAGACCATGCTCACATTG duplicated on the plus strand (CAATGTGAGCATGGTCTCC on the coding strand, the reverse complement: SATB2 is on the minus strand); duplicating any 19 consecutive bases within chr2:199,328,737-199,328,758 gives the same sequence; the c. name uses the placement nearest the transcript's 3' end. VCF-style (leftmost placement, unchanged base first): chr2-199328736-A-AGGAGACCATGCTCACATTG. GRCh37 (hg19) VCF-style: chr2-200193459-A-AGGAGACCATGCTCACATTG.
Other names: c.1329_1347dup, p.Ser450fs (NM_001172517.1, NM_015265.4); short protein forms S450fs.
Identifiers: ClinVar variation 958421 (VCV000958421.8), dbSNP rs1688101934, ClinGen allele CA1139657597.